The following is an entry in ClinVar:

ClinVar aggregate classification (germline): Uncertain significance (1 of 4 stars; one submission).

gnomAD v4.1: 7 of 1,208,230 alleles (0.00058%); highest among the groups gnomAD compares: African/African-American, 0.0017%; no homozygotes.

Submission:

CeGaT Center for Human Genetics Tuebingen
Classification: Uncertain significance. Last evaluated: 2026-01-01. Review status: criteria provided, single submitter. Criteria: CeGaT Center For Human Genetics Tuebingen Variant Classification Criteria Version 2. Collection method: clinical testing. Allele origin: germline. Affected: yes. Observed: 1 variant allele.
Comment: HUWE1: PP2

NM_031407.7(HUWE1):c.11921C>T (p.Thr3974Met)

Gene: HUWE1 (HECT, UBA and WWE domain containing E3 ubiquitin protein ligase 1; minus strand). Cytogenetic location: Xp11.22.
Variant type: single nucleotide variant.
Coding change: c.11921C>T on transcript NM_031407.7 (MANE Select); coding-DNA position 11921, C replaced by T.
Protein change: p.Thr3974Met; replaces threonine 3974 with methionine.
Molecular consequence: missense variant.
Genome position (GRCh38, 1-based): chrX:53,538,412, G>A on the plus strand (C>T on the coding strand, the complement: HUWE1 is on the minus strand). VCF-style: chrX-53538412-G-A. GRCh37 (hg19) VCF-style: chrX-53565373-G-A.
Other names: c.11873C>T, p.Thr3958Met (NM_001441053.1, NM_001441058.1, NM_001441048.1); c.11876C>T, p.Thr3959Met (NM_001441054.1, NM_001441049.1); c.11897C>T, p.Thr3966Met (NM_001441055.1, NM_001441050.1); c.11918C>T, p.Thr3973Met (NM_001441056.1, NM_001441051.1); c.11921C>T, p.Thr3974Met (NM_001441057.1); c.11519C>T, p.Thr3840Met (NM_001441052.1); short protein forms T3840M, T3958M, T3959M, T3966M, T3973M, T3974M.
Identifiers: ClinVar variation 4822961 (VCV004822961.4).